The following is an entry in ClinVar:

NM_001127493.3(ANK2):c.-39G>C

Gene: ANK2 (ankyrin 2; plus strand). Cytogenetic location: 4q25.
Variant type: single nucleotide variant.
Coding change: c.-39G>C on transcript NM_001127493.3; 39 bases upstream of the start codon, G replaced by C.
Molecular consequence: 5 prime UTR variant. On other transcripts: intron variant (4).
Genome position (GRCh38, 1-based): chr4:112,904,455, G>C. VCF-style: chr4-112904455-G-C. GRCh37 (hg19) VCF-style: chr4-113825611-G-C.
Other names: NC_000004.11:g.113825611G>C; c.-39G>C (NM_001354239.2, NM_001354243.2, NM_001354244.2 and 35 more transcripts); c.72+198238G>C (NM_001386186.2, NM_001386148.2, NM_001354269.3 and 1 more transcripts).
Identifiers: ClinVar variation 2655031 (VCV002655031.23), dbSNP rs775400814, ClinGen allele CA3049821.

ClinVar aggregate classification (germline): Benign (1 of 4 stars; one submission).

Allele frequency attached by ClinVar (database versions not stated): gnomAD 0.00083; TOPMed 0.00093; ExAC 0.00347.
gnomAD v4.1: 1,076 of 1,429,550 alleles (0.075%); highest among the groups gnomAD compares: Middle Eastern, 0.37%; 9 homozygotes.

Submissions (2):

CeGaT Center for Human Genetics Tuebingen
Classification: Benign. Last evaluated: 2026-01-01. Review status: criteria provided, single submitter. Criteria: CeGaT Center For Human Genetics Tuebingen Variant Classification Criteria Version 2. Collection method: clinical testing. Allele origin: germline. Affected: yes. Observed: 4 variant alleles.
Comment: ANK2: BS1, BS2

Dr. Peter K. Rogan Lab, Western University
No classification provided (evidence only). Condition: Clear cell carcinoma of kidney. Review status: no classification provided. Collection method: in vitro. Allele origin: not applicable. Functional consequence: retained intron. Not counted in ClinVar's aggregate classification.